The following is an entry in ClinVar:

NM_001378418.1(TCF20):c.1577G>A (p.Ser526Asn)

Gene: TCF20 (transcription factor 20; minus strand). Cytogenetic location: 22q13.2.
Variant type: single nucleotide variant.
Coding change: c.1577G>A on transcript NM_001378418.1 (MANE Select); coding-DNA position 1577, G replaced by A.
Protein change: p.Ser526Asn; replaces serine 526 with asparagine.
Molecular consequence: missense variant.
Genome position (GRCh38, 1-based): chr22:42,213,729, C>T on the plus strand (G>A on the coding strand, the complement: TCF20 is on the minus strand). VCF-style: chr22-42213729-C-T. GRCh37 (hg19) VCF-style: chr22-42609735-C-T.
Other names: c.1577G>A, p.Ser526Asn (NM_005650.4, NM_181492.3); short protein forms S526N.
Identifiers: ClinVar variation 2995461 (VCV002995461.3), dbSNP rs780154887, ClinGen allele CA10267161.

ClinVar aggregate classification (germline): Uncertain significance (1 of 4 stars; one submission).

Allele frequency attached by ClinVar (database versions not stated): ExAC 0.00001; gnomAD 0.00001; gnomAD exomes 0.00001; TOPMed 0.00002.
gnomAD v4.1: 5 of 1,614,016 alleles (0.00031%); highest among the groups gnomAD compares: African/African-American, 0.0067%; no homozygotes.

Submission:

Labcorp Genetics (formerly Invitae), Labcorp
Classification: Uncertain significance. Last evaluated: 2023-03-08. Review status: criteria provided, single submitter. Criteria: Invitae Variant Classification Sherloc (09022015). Collection method: clinical testing. Allele origin: germline.
Comment: In summary, the available evidence is currently insufficient to determine the role of this variant in disease. Therefore, it has been classified as a Variant of Uncertain Significance. This sequence change replaces serine, which is neutral and polar, with asparagine, which is neutral and polar, at codon 526 of the TCF20 protein (p.Ser526Asn). This variant is present in population databases (rs780154887, gnomAD 0.01%). This variant has not been reported in the literature in individuals affected with TCF20-related conditions. An algorithm developed to predict the effect of missense changes on protein structure and function (PolyPhen-2) suggests that this variant is likely to be disruptive.